The following is an entry in ClinVar:

ClinVar aggregate classification (germline): Likely benign (1 of 4 stars; one submission).

Conditions:
SEMA3F-related disorder. Also called: SEMA3F-related condition.

gnomAD v4.1: 13 of 1,611,194 alleles (0.00081%); highest among the groups gnomAD compares: East Asian, 0.025%; no homozygotes.

Submission:

PreventionGenetics, part of Exact Sciences
Classification: Likely benign for SEMA3F-related condition. Last evaluated: 2024-12-31. Review status: criteria provided, single submitter. Criteria: ACMG Guidelines, 2015. Collection method: clinical testing. Allele origin: germline.
Comment: This variant is classified as likely benign based on ACMG/AMP sequence variant interpretation guidelines (Richards et al. 2015 PMID: 25741868, with internal and published modifications).

NM_004186.5(SEMA3F):c.555C>T (p.Tyr185=)

Gene: SEMA3F (semaphorin 3F; plus strand). Cytogenetic location: 3p21.31.
Variant type: single nucleotide variant.
Coding change: c.555C>T on transcript NM_004186.5 (MANE Select); coding-DNA position 555, C replaced by T.
Protein change: p.Tyr185=; no amino-acid change (tyrosine 185 retained).
Molecular consequence: synonymous variant.
Genome position (GRCh38, 1-based): chr3:50,176,773, C>T. VCF-style: chr3-50176773-C-T. GRCh37 (hg19) VCF-style: chr3-50214206-C-T.
Other names: c.258C>T, p.Tyr86= (NM_001318798.2); c.462C>T, p.Tyr154= (NM_001318800.2).
Identifiers: ClinVar variation 4980787 (VCV004980787.1).